The following is an entry in ClinVar:

NM_144687.4(NLRP12):c.*204C>T

Gene: NLRP12 (NLR family pyrin domain containing 12; minus strand). Cytogenetic location: 19q13.42.
Variant type: single nucleotide variant.
Coding change: c.*204C>T on transcript NM_144687.4 (MANE Select); 204 bases downstream of the stop codon, C replaced by T.
Molecular consequence: 3 prime UTR variant.
Genome position (GRCh38, 1-based): chr19:53,793,845, G>A on the plus strand (C>T on the coding strand, the complement: NLRP12 is on the minus strand). VCF-style: chr19-53793845-G-A. GRCh37 (hg19) VCF-style: chr19-54297099-G-A.
Other names: c.*204C>T (NM_001277126.2, NM_001277129.1).
Identifiers: ClinVar variation 329992 (VCV000329992.5), dbSNP rs141410784, ClinGen allele CA10649013.
Genomic context (GRCh38, chr19:53,793,845, plus strand): 5'-CCATCTTGGCCAGGCTAATCTCAAACTCCTGACCTCGTGATCCACCTGCCTCGGCCTCTC[G>A]AAGTGCTAGGATTACATACATGAGCCACCACGCCTGGCCAGCTCTGTCAAACATTAATTT-3'

ClinVar aggregate classification (germline): Benign (1 of 4 stars; one submission).

Conditions:
Familial cold autoinflammatory syndrome 2 (FCAS2). Identifiers: Orphanet 247868, MedGen C2673198, MONDO:0012724, OMIM 611762.

Allele frequency attached by ClinVar (database versions not stated): 1000 Genomes Project 30x 0.00484; 1000 Genomes Project 0.00399; gnomAD 0.00407 and 0.00436; TOPMed 0.00432.
gnomAD v4.1: 859 of 645,344 alleles (0.13%); highest among the groups gnomAD compares: African/African-American, 1.4%; 5 homozygotes.

Submission:

Illumina Laboratory Services, Illumina
Classification: Benign for Familial cold autoinflammatory syndrome 2. Last evaluated: 2018-01-12. Review status: criteria provided, single submitter. Criteria: ICSL Variant Classification Criteria 13 December 2019. Collection method: clinical testing. Allele origin: germline.
Comment: This variant was observed in the ICSL laboratory as part of a predisposition screen in an ostensibly healthy population. It had not been previously curated by ICSL or reported in the Human Gene Mutation Database (HGMD: prior to June 1st, 2018), and was therefore a candidate for classification through an automated scoring system. Utilizing variant allele frequency, disease prevalence and penetrance estimates, and inheritance mode, an automated score was calculated to assess if this variant is too frequent to cause the disease. Based on the score and internal cut-off values, a variant classified as benign is not then subjected to further curation. The score for this variant resulted in a classification of benign for this disease.